The following is an entry in ClinVar:

ClinVar aggregate classification (germline): Likely benign. Review status: criteria provided, multiple submitters, no conflicts (2 of 4 stars). 2 submissions from 2 submitters: Likely benign (2). Last evaluated 2026-01-01.

Allele frequency attached by ClinVar (database versions not stated): 1000 Genomes Project 0.00020; 1000 Genomes Project 30x 0.00047; TOPMed 0.00094; gnomAD 0.00120; gnomAD exomes 0.00172; ExAC 0.00468.
gnomAD v4.1: 1,589 of 981,304 alleles (0.16%); highest among the groups gnomAD compares: Non-Finnish European, 0.2%; 1 homozygote.

Submissions (2):

CeGaT Center for Human Genetics Tuebingen
Classification: Likely benign. Last evaluated: 2026-01-01. Review status: criteria provided, single submitter. Criteria: CeGaT Center For Human Genetics Tuebingen Variant Classification Criteria Version 2. Collection method: clinical testing. Allele origin: germline. Affected: yes. Observed: 4 variant alleles.
Comment: HYDIN: BP4, BP7

Blueprint Genetics
Classification: Likely benign. Last evaluated: 2024-10-15. Review status: criteria provided, single submitter. Criteria: ACMG Guidelines, 2015. Collection method: clinical testing. Allele origin: germline.

NM_001270974.2(HYDIN):c.12900C>T (p.Cys4300=)

Gene: HYDIN (HYDIN axonemal central pair apparatus protein; minus strand). Cytogenetic location: 16q22.2.
Variant type: single nucleotide variant.
Coding change: c.12900C>T on transcript NM_001270974.2 (MANE Select); coding-DNA position 12900, C replaced by T.
Protein change: p.Cys4300=; no amino-acid change (cysteine 4300 retained).
Molecular consequence: synonymous variant.
Genome position (GRCh38, 1-based): chr16:70,840,207, G>A on the plus strand (C>T on the coding strand, the complement: HYDIN is on the minus strand). VCF-style: chr16-70840207-G-A. GRCh37 (hg19) VCF-style: chr16-70874110-G-A.
Identifiers: ClinVar variation 2646699 (VCV002646699.25), dbSNP rs201636691, ClinGen allele CA8148712.
Genomic context (GRCh38, chr16:70,840,207, plus strand): 5'-AAAGTTGTAGCTGGTGAAGGAGAAATGGATAGCCGGGCTCACAGCACAGCCTGAGATGTT[G>A]CACATAAATGTTGGACCATGGCTGATCTGTGAGGAGGAAATGGCAGGGGGACCATGATTA-3'
Protein context (NP_001257903.1, residues 4290-4310): IKISHGPTFM[Cys4300=]NISGCAVSPA